The following is an entry in ClinVar:

ClinVar aggregate classification (germline): Uncertain significance (1 of 4 stars; one submission).

Submission:

Labcorp Genetics (formerly Invitae), Labcorp
Classification: Uncertain significance. Last evaluated: 2022-06-28. Review status: criteria provided, single submitter. Criteria: Invitae Variant Classification Sherloc (09022015). Collection method: clinical testing. Allele origin: germline.
Comment: In summary, the available evidence is currently insufficient to determine the role of this variant in disease. Therefore, it has been classified as a Variant of Uncertain Significance. Experimental studies and prediction algorithms are not available or were not evaluated, and the functional significance of this variant is currently unknown. This variant has not been reported in the literature in individuals affected with EXOC6B-related conditions. This variant is not present in population databases (gnomAD no frequency). This sequence change replaces threonine, which is neutral and polar, with isoleucine, which is neutral and non-polar, at codon 361 of the EXOC6B protein (p.Thr361Ile).

NM_015189.3(EXOC6B):c.1082C>T (p.Thr361Ile)

Gene: EXOC6B (exocyst complex component 6B; minus strand). Cytogenetic location: 2p13.2.
Variant type: single nucleotide variant.
Coding change: c.1082C>T on transcript NM_015189.3 (MANE Select); coding-DNA position 1082, C replaced by T.
Protein change: p.Thr361Ile; replaces threonine 361 with isoleucine.
Molecular consequence: missense variant. On other transcripts: non-coding transcript variant (2).
Genome position (GRCh38, 1-based): chr2:72,513,217, G>A on the plus strand (C>T on the coding strand, the complement: EXOC6B is on the minus strand). VCF-style: chr2-72513217-G-A. GRCh37 (hg19) VCF-style: chr2-72740346-G-A.
Other names: c.1082C>T, p.Thr361Ile (NM_001321729.2, NM_001321730.2, NM_001321731.2 and 1 more transcripts); c.743C>T, p.Thr248Ile (NM_001321734.2); short protein forms T361I, T248I.
Identifiers: ClinVar variation 1490206 (VCV001490206.6), dbSNP rs2105672516, ClinGen allele CA347430864.